The following is an entry in ClinVar:

ClinVar aggregate classification (germline): Uncertain significance (1 of 4 stars; one submission).

Allele frequency attached by ClinVar (database versions not stated): gnomAD exomes below 0.00001; ExAC 0.00001; gnomAD 0.00001; TOPMed 0.00001.
gnomAD v4.1: 2 of 1,605,382 alleles (0.00012%); highest among the groups gnomAD compares: African/African-American, 0.0013%; no homozygotes.

Submission:

Labcorp Genetics (formerly Invitae), Labcorp
Classification: Uncertain significance. Last evaluated: 2025-01-13. Review status: criteria provided, single submitter. Criteria: Invitae Variant Classification Sherloc (09022015). Collection method: clinical testing. Allele origin: germline.
Comment: This sequence change replaces threonine, which is neutral and polar, with isoleucine, which is neutral and non-polar, at codon 480 of the IL6ST protein (p.Thr480Ile). This variant is present in population databases (rs781157702, gnomAD 0.007%). This variant has not been reported in the literature in individuals affected with IL6ST-related conditions. ClinVar contains an entry for this variant (Variation ID: 2108968). An algorithm developed to predict the effect of missense changes on protein structure and function (PolyPhen-2) suggests that this variant is likely to be disruptive. In summary, the available evidence is currently insufficient to determine the role of this variant in disease. Therefore, it has been classified as a Variant of Uncertain Significance.

NM_002184.4(IL6ST):c.1439C>T (p.Thr480Ile)

Gene: IL6ST (interleukin 6 cytokine family signal transducer; minus strand). Cytogenetic location: 5q11.2.
Variant type: single nucleotide variant.
Coding change: c.1439C>T on transcript NM_002184.4 (MANE Select); coding-DNA position 1439, C replaced by T.
Protein change: p.Thr480Ile; replaces threonine 480 with isoleucine.
Molecular consequence: missense variant. On other transcripts: 3 prime UTR variant (1), non-coding transcript variant (2), intron variant (1).
Genome position (GRCh38, 1-based): chr5:55,954,821, G>A on the plus strand (C>T on the coding strand, the complement: IL6ST is on the minus strand). VCF-style: chr5-55954821-G-A. GRCh37 (hg19) VCF-style: chr5-55250649-G-A.
Other names: c.1439C>T, p.Thr480Ile (NM_001364275.2); c.1229C>T, p.Thr410Ile (NM_001364276.2); c.572C>T, p.Thr191Ile (NM_001364277.2); c.536C>T, p.Thr179Ile (NM_001364278.2); c.443C>T, p.Thr148Ile (NM_001364279.2); c.*366C>T (NM_175767.3); c.1267+1204C>T (NM_001190981.2); short protein forms T179I, T480I, T148I, T191I, T410I.
Identifiers: ClinVar variation 2108968 (VCV002108968.4), dbSNP rs781157702, ClinGen allele CA3271426.